The following is an entry in ClinVar:

ClinVar aggregate classification (germline): Uncertain significance. Review status: criteria provided, multiple submitters, no conflicts (2 of 4 stars). 2 submissions from 2 submitters: Uncertain significance (2). Last evaluated 2021-06-13.

Conditions:
Primary ciliary dyskinesia 33. Also called: CILIARY DYSKINESIA, PRIMARY, 33, WITHOUT SITUS INVERSUS. Identifiers: Orphanet 244, MedGen C4225230, MONDO:0014750, OMIM 616726.

Allele frequency attached by ClinVar (database versions not stated): gnomAD 0.00001 and 0.00003; ExAC 0.00002; gnomAD exomes 0.00002; TOPMed 0.00003; ESP Exome Variant Server 0.00015; 1000 Genomes Project 0.00020; 1000 Genomes Project 30x 0.00031.
gnomAD v4.1: 31 of 1,613,832 alleles (0.0019%); highest among the groups gnomAD compares: Non-Finnish European, 0.0025%; no homozygotes.

Submissions (2):

Labcorp Genetics (formerly Invitae), Labcorp
Classification: Uncertain significance for Primary ciliary dyskinesia 33. Last evaluated: 2021-06-13. Review status: criteria provided, single submitter. Criteria: Invitae Variant Classification Sherloc (09022015). Collection method: clinical testing. Allele origin: germline.
Comment: This sequence change replaces arginine with tryptophan at codon 143 of the GAS8 protein (p.Arg143Trp). The arginine residue is highly conserved and there is a moderate physicochemical difference between arginine and tryptophan. This variant is present in population databases (rs374385993, ExAC 0.005%). This variant has not been reported in the literature in individuals with GAS8-related conditions. Algorithms developed to predict the effect of missense changes on protein structure and function (SIFT, PolyPhen-2, Align-GVGD) all suggest that this variant is likely to be disruptive, but these predictions have not been confirmed by published functional studies and their clinical significance is uncertain. Algorithms developed to predict the effect of sequence changes on RNA splicing suggest that this variant may create or strengthen a splice site, but this prediction has not been confirmed by published transcriptional studies. In summary, the available evidence is currently insufficient to determine the role of this variant in disease. Therefore, it has been classified as a Variant of Uncertain Significance.

Breakthrough Genomics
Classification: Uncertain significance. Review status: criteria provided, single submitter. Criteria: ACMG Guidelines, 2015. Collection method: not provided. Allele origin: germline. Inheritance: Autosomal recessive inheritance. Affected: yes.

NM_001481.3(DRC4):c.427C>T (p.Arg143Trp)

Gene: DRC4 (dynein regulatory complex subunit 4; plus strand). Cytogenetic location: 16q24.3.
Variant type: single nucleotide variant.
Coding change: c.427C>T on transcript NM_001481.3 (MANE Select); coding-DNA position 427, C replaced by T.
Protein change: p.Arg143Trp; replaces arginine 143 with tryptophan.
Molecular consequence: missense variant. On other transcripts: 5 prime UTR variant (1).
Genome position (GRCh38, 1-based): chr16:90,032,856, C>T. VCF-style: chr16-90032856-C-T. GRCh37 (hg19) VCF-style: chr16-90099264-C-T.
Other names: c.178C>T, p.Arg60Trp (NM_001286205.2); c.-95C>T (NM_001286208.2); c.352C>T, p.Arg118Trp (NM_001286209.2); short protein forms R118W, R143W, R60W.
Identifiers: ClinVar variation 1360788 (VCV001360788.8), dbSNP rs374385993, ClinGen allele CA8257794.
Genomic context (GRCh38, chr16:90,032,856, plus strand): 5'-GTCATGAAGCTGGCACAGAAAGAGCACCGCATACAGGAGAGTGTGCTGCGCAAGGACATG[C>T]GGGCACTGAAGGTGGAGCTCAAGGAGCAGGAGCTGGCCAGTGAGGTGGTGGTGAAGAACC-3'
Protein context (NP_001472.1, residues 133-153): IQESVLRKDM[Arg143Trp]ALKVELKEQE